The following is an entry in ClinVar:

NM_198576.4(AGRN):c.478C>G (p.His160Asp)

Gene: AGRN (agrin; plus strand). Cytogenetic location: 1p36.33.
Variant type: single nucleotide variant.
Coding change: c.478C>G on transcript NM_198576.4 (MANE Select); coding-DNA position 478, C replaced by G.
Protein change: p.His160Asp; replaces histidine 160 with aspartic acid.
Molecular consequence: missense variant.
Genome position (GRCh38, 1-based): chr1:1,035,291, C>G. VCF-style: chr1-1035291-C-G. GRCh37 (hg19) VCF-style: chr1-970671-C-G.
Other names: c.478C>G, p.His160Asp (NM_001305275.2); c.163C>G, p.His55Asp (NM_001364727.2); short protein forms H160D, H55D.
Identifiers: ClinVar variation 835376 (VCV000835376.9), dbSNP rs752637758, ClinGen allele CA507851.

ClinVar aggregate classification (germline): Uncertain significance (1 of 4 stars; one submission).

Conditions:
Congenital myasthenic syndrome 8. Also called: MYASTHENIC SYNDROME, CONGENITAL, DUE TO AGRIN DEFICIENCY; Myasthenic syndrome, congenital, 8, with pre- and postsynaptic defects. Identifiers: Orphanet 590, MedGen C3808739, MONDO:0014052, OMIM 615120.

Allele frequency attached by ClinVar (database versions not stated): gnomAD exomes below 0.00001; ExAC 0.00001.
gnomAD v4.1: 1 of 1,613,108 alleles (0.000062%); highest among the groups gnomAD compares: Admixed American, 0.0017%; no homozygotes.

Submission:

Labcorp Genetics (formerly Invitae), Labcorp
Classification: Uncertain significance for Congenital myasthenic syndrome 8. Last evaluated: 2019-12-03. Review status: criteria provided, single submitter. Criteria: Invitae Variant Classification Sherloc (09022015). Collection method: clinical testing. Allele origin: germline.
Comment: In summary, the available evidence is currently insufficient to determine the role of this variant in disease. Therefore, it has been classified as a Variant of Uncertain Significance. Algorithms developed to predict the effect of missense changes on protein structure and function are either unavailable or do not agree on the potential impact of this missense change (SIFT: "Deleterious"; PolyPhen-2: "Benign"; Align-GVGD: "Class C0"). This variant has not been reported in the literature in individuals with AGRN-related conditions. This variant is present in population databases (rs752637758, ExAC 0.009%). This sequence change replaces histidine with aspartic acid at codon 160 of the AGRN protein (p.His160Asp). The histidine residue is moderately conserved and there is a moderate physicochemical difference between histidine and aspartic acid.